The following is an entry in ClinVar:

NM_000064.4(C3):c.1180G>A (p.Glu394Lys)

Gene: C3 (complement C3; minus strand). Cytogenetic location: 19p13.3.
Variant type: single nucleotide variant.
Coding change: c.1180G>A on transcript NM_000064.4 (MANE Select); coding-DNA position 1180, G replaced by A.
Protein change: p.Glu394Lys; replaces glutamic acid 394 with lysine.
Molecular consequence: missense variant.
Genome position (GRCh38, 1-based): chr19:6,712,346, C>T on the plus strand (G>A on the coding strand, the complement: C3 is on the minus strand). VCF-style: chr19-6712346-C-T. GRCh37 (hg19) VCF-style: chr19-6712357-C-T.
Other names: short protein forms E394K.
Identifiers: ClinVar variation 2875842 (VCV002875842.3), dbSNP rs1306201996, ClinGen allele CA403641450.

ClinVar aggregate classification (germline): Uncertain significance (1 of 4 stars; one submission).

Allele frequency attached by ClinVar (database versions not stated): gnomAD exomes 0.00001; TOPMed 0.00001.
gnomAD v4.1: 11 of 1,614,126 alleles (0.00068%); highest among the groups gnomAD compares: South Asian, 0.0033%; 1 homozygote.

Submission:

Labcorp Genetics (formerly Invitae), Labcorp
Classification: Uncertain significance. Last evaluated: 2024-08-08. Review status: criteria provided, single submitter. Criteria: Invitae Variant Classification Sherloc (09022015). Collection method: clinical testing. Allele origin: germline.
Comment: This sequence change replaces glutamic acid, which is acidic and polar, with lysine, which is basic and polar, at codon 394 of the C3 protein (p.Glu394Lys). This variant is not present in population databases (gnomAD no frequency). This variant has not been reported in the literature in individuals affected with C3-related conditions. An algorithm developed to predict the effect of missense changes on protein structure and function (PolyPhen-2) suggests that this variant is likely to be tolerated. In summary, the available evidence is currently insufficient to determine the role of this variant in disease. Therefore, it has been classified as a Variant of Uncertain Significance.